The following is an entry in ClinVar:

ClinVar aggregate classification (germline): Uncertain significance. Review status: criteria provided, single submitter (1 of 4 stars). 2 submissions from 2 submitters: Uncertain significance (1). 1 of the submissions does not count toward it. Last evaluated 2021-05-01.

Conditions:
CEL-related disorder. Also called: CEL-related condition.

Allele frequency attached by ClinVar (database versions not stated): gnomAD exomes 0.00003; gnomAD 0.00008; 1000 Genomes Project 30x 0.00031.

Submissions (2):

CeGaT Center for Human Genetics Tuebingen
Classification: Uncertain significance. Last evaluated: 2021-05-01. Review status: criteria provided, single submitter. Criteria: CeGaT Center For Human Genetics Tuebingen Variant Classification Criteria Version 2. Collection method: clinical testing. Allele origin: germline. Affected: yes. Observed: 1 variant allele.

PreventionGenetics, part of Exact Sciences
Classification: Uncertain significance for CEL-related condition. Last evaluated: 2024-03-15. Review status: no assertion criteria provided. Collection method: clinical testing. Allele origin: germline. Not counted in ClinVar's aggregate classification.
Comment: The CEL c.1088C>T variant is predicted to result in the amino acid substitution p.Thr363Met. To our knowledge, this variant has not been reported in the literature. This variant is reported in 0.047% of alleles in individuals of African descent in gnomAD. At this time, the clinical significance of this variant is uncertain due to the absence of conclusive functional and genetic evidence.

NM_001807.6(CEL):c.1079C>T (p.Thr360Met)

Gene: CEL (carboxyl ester lipase; plus strand). Cytogenetic location: 9q34.13.
Variant type: single nucleotide variant.
Coding change: c.1079C>T on transcript NM_001807.6 (MANE Select); coding-DNA position 1079, C replaced by T.
Protein change: p.Thr360Met; replaces threonine 360 with methionine.
Molecular consequence: missense variant.
Genome position (GRCh38, 1-based): chr9:133,068,855, C>T. VCF-style: chr9-133068855-C-T. GRCh37 (hg19) VCF-style: chr9-135944242-C-T.
Other names: c.1088C>T (NM_001807.4); short protein forms T360M.
Identifiers: ClinVar variation 1176292 (VCV001176292.35), dbSNP rs756798951, ClinGen allele CA5303260.